The following is an entry in ClinVar:

ClinVar aggregate classification (germline): Benign/Likely benign. Review status: criteria provided, multiple submitters, no conflicts (2 of 4 stars). 26 submissions from 19 submitters: Benign (19); Likely benign (2). 5 of the submissions do not count toward it. Last evaluated 2026-02-03.

Conditions:
Cardiovascular phenotype. Identifiers: MedGen CN230736.
Dilated cardiomyopathy 1G (CMD1G). Identifiers: Orphanet 154, MedGen C1858763, MONDO:0011400, OMIM 604145.
Autosomal recessive limb-girdle muscular dystrophy type 2J (LGMDR10). Also called: Limb-girdle muscular dystrophy, type 2J; MUSCULAR DYSTROPHY, LIMB-GIRDLE, AUTOSOMAL RECESSIVE 10. Identifiers: Orphanet 140922, MedGen C1837342, MONDO:0012127, OMIM 608807.
Cardiomyopathy (CMYO). Also called: Cardiomyopathies. Identifiers: Orphanet 167848, MedGen C0878544, MONDO:0004994, HP:0001638. Inheritance: Various modes of inheritance.
Early-onset myopathy with fatal cardiomyopathy (CMYO5). Also called: CONGENITAL MYOPATHY 5 WITH CARDIOMYOPATHY; Salih Myopathy. Identifiers: Orphanet 289377, MedGen C2673677, MONDO:0012714, OMIM 611705. Disease mechanism: loss of function.
Myopathy, myofibrillar, 9, with early respiratory failure (MFM9). Also called: MYOPATHY, PROXIMAL, WITH EARLY RESPIRATORY MUSCLE INVOLVEMENT; Myopathy, distal, with early respiratory failure, autosomal dominant; Hereditary myopathy with early respiratory failure; EDSTROM MYOPATHY. Identifiers: Orphanet 178464, Orphanet 34521, MedGen C1863599, MONDO:0011362, OMIM 603689.
Tibial muscular dystrophy (TMD). Also called: Tibial muscular dystrophy, tardive; UDD MYOPATHY; Udd Distal Myopathy – Tibial Muscular Dystrophy. Identifiers: Orphanet 609, MedGen C1838244, MONDO:0010870, OMIM 600334.

Allele frequency attached by ClinVar (database versions not stated): gnomAD exomes 0.00182 and 0.00462; ExAC 0.00552; 1000 Genomes Project 0.01657; 1000 Genomes Project 30x 0.01671; gnomAD 0.01840 and 0.01997; ESP Exome Variant Server 0.02119; TOPMed 0.02134.
gnomAD v4.1: 5,586 of 1,613,972 alleles (0.35%); highest among the groups gnomAD compares: African/African-American, 6.5%; 180 homozygotes.

Submissions (26):

Labcorp Genetics (formerly Invitae), Labcorp
Classification: Benign for Dilated cardiomyopathy 1G; Autosomal recessive limb-girdle muscular dystrophy type 2J. Last evaluated: 2026-02-03. Review status: criteria provided, single submitter. Criteria: Invitae Variant Classification Sherloc (09022015). Collection method: clinical testing. Allele origin: germline.

ARUP Laboratories, Molecular Genetics and Genomics, ARUP Laboratories
Classification: Benign. Last evaluated: 2025-05-14. Review status: criteria provided, single submitter. Criteria: ARUP Molecular Germline Variant Investigation Process 2024. Collection method: clinical testing. Allele origin: germline.

Molecular Diagnostic Laboratory for Inherited Cardiovascular Disease, Montreal Heart Institute
Classification: Benign. Last evaluated: 2025-04-09. Review status: criteria provided, single submitter. Criteria: ACMG Guidelines, 2015. Collection method: clinical testing. Allele origin: germline. Affected: no.

Athena Diagnostics
Classification: Benign. Last evaluated: 2025-03-13. Review status: criteria provided, single submitter. Criteria: Athena Diagnostics Criteria. Collection method: clinical testing. Allele origin: unknown.
Comment: The frequency of this variant in the general population is higher than would generally be expected for pathogenic variants in this gene.

Genome-Nilou Lab
Classification: Benign for Autosomal recessive limb-girdle muscular dystrophy type 2J. Last evaluated: 2021-09-10. Review status: criteria provided, single submitter. Criteria: ACMG Guidelines, 2015. Collection method: clinical testing. Allele origin: germline. Affected: no.

Genome-Nilou Lab
Classification: Benign for Myopathy, myofibrillar, 9, with early respiratory failure. Last evaluated: 2021-09-10. Review status: criteria provided, single submitter. Criteria: ACMG Guidelines, 2015. Collection method: clinical testing. Allele origin: germline. Affected: no.

Genome-Nilou Lab
Classification: Benign for Early-onset myopathy with fatal cardiomyopathy. Last evaluated: 2021-09-10. Review status: criteria provided, single submitter. Criteria: ACMG Guidelines, 2015. Collection method: clinical testing. Allele origin: germline. Affected: no.

Genome-Nilou Lab
Classification: Benign for Tibial muscular dystrophy. Last evaluated: 2021-09-10. Review status: criteria provided, single submitter. Criteria: ACMG Guidelines, 2015. Collection method: clinical testing. Allele origin: germline. Affected: no.

Women's Health and Genetics/Laboratory Corporation of America, LabCorp
Classification: Benign. Last evaluated: 2020-04-12. Review status: criteria provided, single submitter. Criteria: LabCorp Variant Classification Summary - May 2015. Collection method: clinical testing. Allele origin: germline.

Mayo Clinic Laboratories, Mayo Clinic
Classification: Benign. Last evaluated: 2019-03-06. Review status: criteria provided, single submitter. Criteria: ACMG Guidelines, 2015. Collection method: clinical testing. Allele origin: germline. Observed: 38 variant alleles.

Illumina Laboratory Services, Illumina
Classification: Benign for Myopathy, myofibrillar, 9, with early respiratory failure. Last evaluated: 2018-01-13. Review status: criteria provided, single submitter. Criteria: ICSL Variant Classification Criteria 13 December 2019. Collection method: clinical testing. Allele origin: germline.
Comment: This variant was observed in the ICSL laboratory as part of a predisposition screen in an ostensibly healthy population. It had not been previously curated by ICSL or reported in the Human Gene Mutation Database (HGMD: prior to June 1st, 2018), and was therefore a candidate for classification through an automated scoring system. Utilizing variant allele frequency, disease prevalence and penetrance estimates, and inheritance mode, an automated score was calculated to assess if this variant is too frequent to cause the disease. Based on the score and internal cut-off values, a variant classified as benign is not then subjected to further curation. The score for this variant resulted in a classification of benign for this disease.

Illumina Laboratory Services, Illumina
Classification: Benign for Early-onset myopathy with fatal cardiomyopathy. Last evaluated: 2018-01-13. Review status: criteria provided, single submitter. Criteria: ICSL Variant Classification Criteria 13 December 2019. Collection method: clinical testing. Allele origin: germline.
Comment: the same text as in the submission from Illumina Laboratory Services, Illumina above.

Illumina Laboratory Services, Illumina
Classification: Benign for Tibial muscular dystrophy. Last evaluated: 2018-01-13. Review status: criteria provided, single submitter. Criteria: ICSL Variant Classification Criteria 13 December 2019. Collection method: clinical testing. Allele origin: germline.
Comment: the same text as in the submission from Illumina Laboratory Services, Illumina above.

Illumina Laboratory Services, Illumina
Classification: Benign for Autosomal recessive limb-girdle muscular dystrophy type 2J. Last evaluated: 2018-01-13. Review status: criteria provided, single submitter. Criteria: ICSL Variant Classification Criteria 13 December 2019. Collection method: clinical testing. Allele origin: germline.
Comment: the same text as in the submission from Illumina Laboratory Services, Illumina above.

Illumina Laboratory Services, Illumina
Classification: Likely benign for Dilated cardiomyopathy 1G. Last evaluated: 2018-01-13. Review status: criteria provided, single submitter. Criteria: ICSL Variant Classification Criteria 13 December 2019. Collection method: clinical testing. Allele origin: germline.
Comment: This variant was observed in the ICSL laboratory as part of a predisposition screen in an ostensibly healthy population. It had not been previously curated by ICSL or reported in the Human Gene Mutation Database (HGMD: prior to June 1st, 2018), and was therefore a candidate for classification through an automated scoring system. Utilizing variant allele frequency, disease prevalence and penetrance estimates, and inheritance mode, an automated score was calculated to assess if this variant is too frequent to cause the disease. Based on the score and internal cut-off values, a variant classified as likely benign is not then subjected to further curation. The score for this variant resulted in a classification of likely benign for this disease.

CHEO Genetics Diagnostic Laboratory, Children's Hospital of Eastern Ontario
Classification: Benign for Cardiomyopathy. Last evaluated: 2016-03-08. Review status: criteria provided, single submitter. Criteria: ACMG Guidelines, 2015. Collection method: clinical testing. Allele origin: germline. Study: Canadian Open Genetics Repository.

GeneDx
Classification: Benign. Last evaluated: 2014-04-14. Review status: criteria provided, single submitter. Criteria: GeneDx Variant Classification (06012015). Collection method: clinical testing. Allele origin: germline. Affected: yes.
Comment: This variant is considered likely benign or benign based on one or more of the following criteria: it is a conservative change, it occurs at a poorly conserved position in the protein, it is predicted to be benign by multiple in silico algorithms, and/or has population frequency not consistent with disease.

Ambry Genetics
Classification: Benign for Cardiovascular phenotype. Last evaluated: 2013-02-26. Review status: criteria provided, single submitter. Criteria: Ambry Autosomal Dominant and X-Linked criteria (10/2015). Collection method: clinical testing. Allele origin: germline. Observed: 1 variant allele.

Laboratory for Molecular Medicine, Mass General Brigham Personalized Medicine
Classification: Benign. Last evaluated: 2012-04-25. Review status: criteria provided, single submitter. Criteria: LMM Criteria. Collection method: clinical testing. Allele origin: germline. Observed: 34 variant alleles.

Breakthrough Genomics
Classification: Likely benign. Review status: criteria provided, single submitter. Criteria: ACMG Guidelines, 2015. Collection method: not provided. Allele origin: germline. Inheritance: Autosomal recessive inheritance. Affected: yes.

PreventionGenetics, part of Exact Sciences
Classification: Benign. Review status: criteria provided, single submitter. Criteria: ACMG Guidelines, 2015. Collection method: clinical testing. Allele origin: germline.

Clinical Genetics DNA and cytogenetics Diagnostics Lab, Erasmus MC, Erasmus Medical Center
Classification: Benign. Review status: no assertion criteria provided. Collection method: clinical testing. Allele origin: germline. Affected: yes. Study: VKGL Data-share Consensus. Not counted in ClinVar's aggregate classification.

Clinical Genetics, Academic Medical Center
Classification: Benign. Review status: no assertion criteria provided. Collection method: clinical testing. Allele origin: germline. Affected: yes. Study: VKGL Data-share Consensus. Not counted in ClinVar's aggregate classification.

Diagnostic Laboratory, Department of Genetics, University Medical Center Groningen
Classification: Likely benign. Review status: no assertion criteria provided. Collection method: clinical testing. Allele origin: germline. Affected: yes. Study: VKGL Data-share Consensus. Not counted in ClinVar's aggregate classification.

Genetic Services Laboratory, University of Chicago
Classification: Likely benign for AllHighlyPenetrant. Review status: no assertion criteria provided. Collection method: clinical testing. Allele origin: germline. Not counted in ClinVar's aggregate classification.
Comment: Likely benign based on allele frequency in 1000 Genomes Project or ESP global frequency and its presence in a patient with a rare or unrelated disease phenotype. NOT Sanger confirmed.

Joint Genome Diagnostic Labs from Nijmegen and Maastricht, Radboudumc and MUMC+
Classification: Benign. Review status: no assertion criteria provided. Collection method: clinical testing. Allele origin: germline. Affected: yes. Study: VKGL Data-share Consensus. Not counted in ClinVar's aggregate classification.

NM_001267550.2(TTN):c.87669T>C (p.His29223=)

Genes: TTN-AS1 (TTN antisense RNA 1; plus strand), TTN (titin; minus strand). Cytogenetic location: 2q31.2.
Variant type: single nucleotide variant.
Coding change: c.87669T>C on transcript NM_001267550.2 (MANE Select); coding-DNA position 87669, T replaced by C.
Protein change: p.His29223=; no amino-acid change (histidine 29223 retained).
Molecular consequence: synonymous variant.
Genome position (GRCh38, 1-based): chr2:178,557,685, A>G on the plus strand (T>C on the coding strand, the complement: TTN is on the minus strand). VCF-style: chr2-178557685-A-G. GRCh37 (hg19) VCF-style: chr2-179422412-A-G.
Other names: p.H27582H:CAT>CAC; p.His26655=; c.82746T>C, p.His27582= (NM_001256850.1); c.79965T>C, p.His26655= (NM_133378.4); c.60474T>C, p.His20158= (NM_003319.4); c.60849T>C, p.His20283= (NM_133432.3); c.61050T>C, p.His20350= (NM_133437.4).
Identifiers: ClinVar variation 47467 (VCV000047467.54), dbSNP rs72648229, ClinGen allele CA283980.